The following is an entry in ClinVar:

ClinVar aggregate classification (germline): Uncertain significance (1 of 4 stars; one submission).

Submission:

GeneDx
Classification: Uncertain significance. Last evaluated: 2024-08-26. Review status: criteria provided, single submitter. Criteria: GeneDx Variant Classification Process June 2021. Collection method: clinical testing. Allele origin: germline. Affected: yes.
Comment: Not observed at significant frequency in large population cohorts (gnomAD); In silico analysis supports that this missense variant has a deleterious effect on protein structure/function; Has not been previously published as pathogenic or benign to our knowledge

NM_001278116.2(L1CAM):c.3436A>T (p.Ser1146Cys)

Gene: L1CAM (L1 cell adhesion molecule; minus strand). Cytogenetic location: Xq28.
Variant type: single nucleotide variant.
Coding change: c.3436A>T on transcript NM_001278116.2 (MANE Select); coding-DNA position 3436, A replaced by T.
Protein change: p.Ser1146Cys; replaces serine 1146 with cysteine.
Molecular consequence: missense variant.
Genome position (GRCh38, 1-based): chrX:153,863,904, T>A on the plus strand (A>T on the coding strand, the complement: L1CAM is on the minus strand). VCF-style: chrX-153863904-T-A. GRCh37 (hg19) VCF-style: chrX-153129359-T-A.
Other names: c.3436A>T, p.Ser1146Cys (NM_000425.5, NM_024003.3); c.3421A>T, p.Ser1141Cys (NM_001143963.2); short protein forms S1141C, S1146C.
Identifiers: ClinVar variation 3766279 (VCV003766279.1).
Genomic context (GRCh38, chrX:153,863,904, plus strand): 5'-CCTCGGCTCCACCCCCGTCACGTGGGGCTCAGAGGCTACCTGAGTATTTGCCGCCCTTGC[T>A]GCGCTTGATGAAGCAGAGGATGAGCAGGACGAGGAGCAGGAGGATGATGGCACTCACAAA-3'
Protein context (NP_001265045.1, residues 1136-1156): VLLILCFIKR[Ser1146Cys]KGGKYSVKDK